The following is an entry in ClinVar:

ClinVar aggregate classification (germline): Likely benign. Review status: criteria provided, multiple submitters, no conflicts (2 of 4 stars). 2 submissions from 2 submitters: Likely benign (2). Last evaluated 2026-01-13.

Conditions:
Melanoma, cutaneous malignant, susceptibility to, 3. Also called: Cutaneous malignant melanoma 3. Identifiers: Orphanet 618, MedGen C1836892, MONDO:0012183, OMIM 609048.
Familial melanoma. Also called: Hereditary melanoma; Hereditary cutaneous melanoma. Identifiers: Orphanet 618, MedGen C1512419, MONDO:0018961.

Submissions (2):

Labcorp Genetics (formerly Invitae), Labcorp
Classification: Likely benign for Familial melanoma. Last evaluated: 2026-01-13. Review status: criteria provided, single submitter. Criteria: Invitae Variant Classification Sherloc (09022015). Collection method: clinical testing. Allele origin: germline.

Myriad Genetics, Inc.
Classification: Likely benign for Melanoma, cutaneous malignant, susceptibility to, 3. Last evaluated: 2024-09-26. Review status: criteria provided, single submitter. Criteria: Myriad Autosomal Dominant, Autosomal Recessive and X-Linked Classification Criteria (2023). Collection method: clinical testing. Allele origin: unknown.
Comment: This variant is considered likely benign. This variant is intronic and is not expected to impact mRNA splicing.

NM_000075.4(CDK4):c.684-12T>C

Genes: TSPAN31 (tetraspanin 31; plus strand), CDK4 (cyclin dependent kinase 4; minus strand). Cytogenetic location: 12q14.1.
Variant type: single nucleotide variant.
Coding change: c.684-12T>C on transcript NM_000075.4 (MANE Select); 12 bases into the intron before coding-DNA position 684, T replaced by C.
Molecular consequence: intron variant. On other transcripts: 3 prime UTR variant (3).
Genome position (GRCh38, 1-based): chr12:57,749,329, A>G on the plus strand (T>C on the coding strand, the complement: CDK4 is on the minus strand). VCF-style: chr12-57749329-A-G. GRCh37 (hg19) VCF-style: chr12-58143112-A-G.
Other names: c.*2039A>G (NM_001330168.2, NM_001330169.2, NM_005981.5).
Identifiers: ClinVar variation 2156784 (VCV002156784.5), dbSNP rs2540896512, ClinGen allele CA2580086607.
Genomic context (GRCh38, chr12:57,749,329, plus strand): 5'-CAGGGATACATCTCGAGGCCAGTCATCCTCTGGAGGCAGCCCAATCAGGCTGTGGGGGAC[A>G]GGAGAACTCTGGTCAGGAGGGTCCTCCAGTTCCCATCCCCATGGGCAGAGCCAGTTGCCA-3'